The following is an entry in ClinVar:

ClinVar aggregate classification (germline): Uncertain significance (1 of 4 stars; one submission).

Conditions:
Early-infantile DEE. Also called: Early infantile epileptic encephalopathy with suppression bursts; Early infantile epileptic encephalopathy; Ohtahara syndrome. Identifiers: Orphanet 1934, MedGen C0393706, MONDO:0800491.

gnomAD v4.1: 2 of 1,614,142 alleles (0.00012%); highest among the groups gnomAD compares: Non-Finnish European, 0.00017%; no homozygotes.

Submission:

Labcorp Genetics (formerly Invitae), Labcorp
Classification: Uncertain significance for Early-infantile DEE. Last evaluated: 2024-03-24. Review status: criteria provided, single submitter. Criteria: Invitae Variant Classification Sherloc (09022015). Collection method: clinical testing. Allele origin: germline.
Comment: This sequence change replaces arginine, which is basic and polar, with proline, which is neutral and non-polar, at codon 2142 of the SPTAN1 protein (p.Arg2142Pro). This variant is not present in population databases (gnomAD no frequency). This variant has not been reported in the literature in individuals affected with SPTAN1-related conditions. ClinVar contains an entry for this variant (Variation ID: 2059025). Advanced modeling of protein sequence and biophysical properties (such as structural, functional, and spatial information, amino acid conservation, physicochemical variation, residue mobility, and thermodynamic stability) has been performed at Invitae for this missense variant, however the output from this modeling did not meet the statistical confidence thresholds required to predict the impact of this variant on SPTAN1 protein function. In summary, the available evidence is currently insufficient to determine the role of this variant in disease. Therefore, it has been classified as a Variant of Uncertain Significance.

NM_001130438.3(SPTAN1):c.6425G>C (p.Arg2142Pro)

Gene: SPTAN1 (spectrin alpha, non-erythrocytic 1; plus strand). Cytogenetic location: 9q34.11.
Variant type: single nucleotide variant.
Coding change: c.6425G>C on transcript NM_001130438.3 (MANE Select); coding-DNA position 6425, G replaced by C.
Protein change: p.Arg2142Pro; replaces arginine 2142 with proline.
Molecular consequence: missense variant.
Genome position (GRCh38, 1-based): chr9:128,626,536, G>C. VCF-style: chr9-128626536-G-C. GRCh37 (hg19) VCF-style: chr9-131388815-G-C.
Other names: c.6350G>C, p.Arg2117Pro (NM_001195532.2); c.6425G>C, p.Arg2142Pro (NM_001363759.2, NM_001375310.1, NM_001375311.2 and 1 more transcripts); c.6365G>C, p.Arg2122Pro (NM_001363765.2, NM_001375314.2); c.6461G>C, p.Arg2154Pro (NM_001375312.2, NM_001375318.1); c.6410G>C, p.Arg2137Pro (NM_003127.4); short protein forms R2122P, R2137P, R2142P, R2117P, R2154P.
Identifiers: ClinVar variation 2059025 (VCV002059025.4), dbSNP rs796053324, ClinGen allele CA375088897.